The following is an entry in ClinVar:

ClinVar aggregate classification (germline): Likely pathogenic. Review status: criteria provided, multiple submitters, no conflicts (2 of 4 stars). 2 submissions from 2 submitters: Likely pathogenic (2). Last evaluated 2026-04-14.

Conditions:
Progressive familial intrahepatic cholestasis type 3. Also called: Low Gamma-GT Familial Intrahepatic Cholestasis; MDR3 DEFICIENCY. Identifiers: Orphanet 79305, MedGen C1865643, MONDO:0011214, OMIM 602347.
Familial intrahepatic cholestasis. Identifiers: Orphanet 284385, MedGen CN296401, MONDO:0017290.

Submissions (2):

Genomenon, Inc
Classification: Likely pathogenic for Familial intrahepatic cholestasis. Last evaluated: 2026-04-14. Review status: criteria provided, single submitter. Criteria: Genomenon Sequence Variant Interpretation Standards - Updated. Collection method: curation. Allele origin: germline. Affected: yes.
Comment: ABCB4 p.Gly954Asp (c.2861G>A) is a missense variant that changes the amino acid at residue 954 from Glycine to Aspartic acid. This variant has been observed in at least one proband with an ABCB4-related disorder (PMID:37697751). The presence of pathogenic/likely pathogenic missense variant(s) at the same amino acid position indicates that this residue is likely important for protein function. It is absent or not present at a significant frequency in gnomAD. In silico models predict that this variant is possibly or probably damaging. In conclusion, we classify ABCB4 p.Gly954Asp (c.2861G>A) as a likely pathogenic variant.

Rolfs Rare Disease Consulting, Rolfs Consulting Und Verwaltungs GmbH
Classification: Likely pathogenic for Progressive familial intrahepatic cholestasis type 3. Last evaluated: 2021-01-01. Review status: criteria provided, single submitter. Criteria: ACMG Guidelines, 2015. Collection method: clinical testing. Allele origin: germline. Affected: yes.

Literature cited by the submitters: PubMed 37697751 (cited by Genomenon, Inc).

NM_000443.4(ABCB4):c.2861G>A (p.Gly954Asp)

Gene: ABCB4 (ATP binding cassette subfamily B member 4; minus strand). Cytogenetic location: 7q21.12.
Variant type: single nucleotide variant.
Coding change: c.2861G>A on transcript NM_000443.4 (MANE Select); coding-DNA position 2861, G replaced by A.
Protein change: p.Gly954Asp; replaces glycine 954 with aspartic acid.
Molecular consequence: missense variant. On other transcripts: intron variant (1).
Genome position (GRCh38, 1-based): chr7:87,411,956, C>T on the plus strand (G>A on the coding strand, the complement: ABCB4 is on the minus strand). VCF-style: chr7-87411956-C-T. GRCh37 (hg19) VCF-style: chr7-87041272-C-T.
Other names: c.2861G>A, p.Gly954Asp (NM_018849.3); c.2783+1661G>A (NM_018850.3); short protein forms G954D.
Identifiers: ClinVar variation 2687807 (VCV002687807.2), dbSNP rs2546759885, ClinGen allele CA368060585.